The following is an entry in ClinVar:

NM_006268.5(DPF2):c.1045G>A (p.Asp349Asn)

Gene: DPF2 (double PHD fingers 2; plus strand). Cytogenetic location: 11q13.1.
Variant type: single nucleotide variant.
Coding change: c.1045G>A on transcript NM_006268.5 (MANE Select); coding-DNA position 1045, G replaced by A.
Protein change: p.Asp349Asn; replaces aspartic acid 349 with asparagine.
Molecular consequence: missense variant.
Genome position (GRCh38, 1-based): chr11:65,348,877, G>A. VCF-style: chr11-65348877-G-A. GRCh37 (hg19) VCF-style: chr11-65116348-G-A.
Other names: c.1087G>A, p.Asp363Asn (NM_001330308.2); short protein forms D349N, D363N.
Identifiers: ClinVar variation 1201633 (VCV001201633.5), dbSNP rs373186765, ClinGen allele CA6095465.

ClinVar aggregate classification (germline): Pathogenic/Likely pathogenic. Review status: criteria provided, multiple submitters, no conflicts (2 of 4 stars). 2 submissions from 2 submitters: Pathogenic (1); Likely pathogenic (1). Last evaluated 2026-03-18.

Allele frequency attached by ClinVar (database versions not stated): ExAC 0.00001; ESP Exome Variant Server 0.00008.

Submissions (2):

Dasa
Classification: Likely pathogenic. Last evaluated: 2026-03-18. Review status: criteria provided, single submitter. Criteria: DASA Assertion Criteria. Collection method: clinical testing. Allele origin: germline.
Comment: NM_006268.5(DPF2):c.1045G>A (p.Asp349Asn) is a missense variant that results in the substitution of aspartic acid with asparagine. The affected residue or protein region has prior evidence supporting clinical relevance. De novo occurrence has been reported in an individual with DPF2-related disorders. This variant is absent from population databases. Computational evidence supports a deleterious effect. Based on the currently available evidence, this variant is classified as likely pathogenic.

GeneDx
Classification: Pathogenic. Last evaluated: 2020-05-29. Review status: criteria provided, single submitter. Criteria: GeneDx Variant Classification Process June 2021. Collection method: clinical testing. Allele origin: germline. Affected: yes.
Comment: Has not been previously published as pathogenic or benign to our knowledge; Not observed in large population cohorts (Lek et al., 2016); In silico analysis, which includes protein predictors and evolutionary conservation, supports a deleterious effect